The following is an entry in ClinVar:

ClinVar aggregate classification (germline): Uncertain significance (1 of 4 stars; one submission).

Conditions:
Actin accumulation myopathy (CMYO2A). Also called: Myopathy, actin, congenital, with cores; Nemaline myopathy 3, with intranuclear rods; CONGENITAL MYOPATHY 2A, TYPICAL, AUTOSOMAL DOMINANT; Nemaline myopathy type 3; Myopathy, actin, congenital, with excess of thin myofilaments. Identifiers: Orphanet 98904, MedGen C3711389, MONDO:0008070, OMIM 161800.

gnomAD v4.1: 7 of 1,614,172 alleles (0.00043%); highest among the groups gnomAD compares: Non-Finnish European, 0.00051%; no homozygotes.

Submission:

Labcorp Genetics (formerly Invitae), Labcorp
Classification: Uncertain significance for Actin accumulation myopathy. Last evaluated: 2022-02-08. Review status: criteria provided, single submitter. Criteria: Invitae Variant Classification Sherloc (09022015). Collection method: clinical testing. Allele origin: germline.
Comment: In summary, the available evidence is currently insufficient to determine the role of this variant in disease. Therefore, it has been classified as a Variant of Uncertain Significance. This sequence change replaces proline, which is neutral and non-polar, with histidine, which is basic and polar, at codon 104 of the ACTA1 protein (p.Pro104His). This variant is present in population databases (no rsID available, gnomAD 0.002%). This variant has not been reported in the literature in individuals affected with ACTA1-related conditions. Advanced modeling of protein sequence and biophysical properties (such as structural, functional, and spatial information, amino acid conservation, physicochemical variation, residue mobility, and thermodynamic stability) performed at Invitae indicates that this missense variant is expected to disrupt ACTA1 protein function.

NM_001100.4(ACTA1):c.311C>A (p.Pro104His)

Gene: ACTA1 (actin alpha 1, skeletal muscle; minus strand). Cytogenetic location: 1q42.13.
Variant type: single nucleotide variant.
Coding change: c.311C>A on transcript NM_001100.4 (MANE Select); coding-DNA position 311, C replaced by A.
Protein change: p.Pro104His; replaces proline 104 with histidine.
Molecular consequence: missense variant.
Genome position (GRCh38, 1-based): chr1:229,432,699, G>T on the plus strand (C>A on the coding strand, the complement: ACTA1 is on the minus strand). VCF-style: chr1-229432699-G-T. GRCh37 (hg19) VCF-style: chr1-229568446-G-T.
Other names: short protein forms P104H.
Identifiers: ClinVar variation 2191787 (VCV002191787.4), dbSNP rs778739385, ClinGen allele CA345149929.